The following is an entry in ClinVar:

NM_014946.4(SPAST):c.419G>A (p.Gly140Glu)

Gene: SPAST (spastin; plus strand). Cytogenetic location: 2p22.3.
Variant type: single nucleotide variant.
Coding change: c.419G>A on transcript NM_014946.4 (MANE Select); coding-DNA position 419, G replaced by A.
Protein change: p.Gly140Glu; replaces glycine 140 with glutamic acid.
Molecular consequence: missense variant.
Genome position (GRCh38, 1-based): chr2:32,087,495, G>A. VCF-style: chr2-32087495-G-A. GRCh37 (hg19) VCF-style: chr2-32312564-G-A.
Other names: c.416G>A, p.Gly139Glu (NM_001363823.2, NM_001363875.2); c.419G>A, p.Gly140Glu (NM_001377959.1, NM_199436.2); short protein forms G139E, G140E.
Identifiers: ClinVar variation 1695579 (VCV001695579.3), dbSNP rs763649847, ClinGen allele CA346603057.

ClinVar aggregate classification (germline): Uncertain significance. Review status: criteria provided, multiple submitters, no conflicts (2 of 4 stars). 2 submissions from 2 submitters: Uncertain significance (2). Last evaluated 2022-08-15.

Allele frequency attached by ClinVar (database versions not stated): gnomAD exomes below 0.00001.

Submissions (2):

Women's Health and Genetics/Laboratory Corporation of America, LabCorp
Classification: Uncertain significance. Last evaluated: 2022-08-15. Review status: criteria provided, single submitter. Criteria: LabCorp Variant Classification Summary - May 2015. Collection method: clinical testing. Allele origin: germline.
Comment: Variant summary: SPAST c.419G>A (p.Gly140Glu) results in a non-conservative amino acid change located in the MIT domain (IPR007330) of the encoded protein sequence. Three of five in-silico tools predict a damaging effect of the variant on protein function. The variant allele was found at a frequency of 4e-06 in 250968 control chromosomes (gnomAD). The available data on variant occurrences in the general population are insufficient to allow any conclusion about variant significance. To our knowledge, no occurrence of c.419G>A in individuals affected with Spastic Paraplegia and no experimental evidence demonstrating its impact on protein function have been reported. One clinical diagnostic laboratory has submitted a clinical-significance assessment for this variant to ClinVar after 2014 and classified the variant as uncertain significance. Based on the evidence outlined above, the variant was classified as uncertain significance.

GeneDx
Classification: Uncertain significance. Last evaluated: 2022-01-05. Review status: criteria provided, single submitter. Criteria: GeneDx Variant Classification Process June 2021. Collection method: clinical testing. Allele origin: germline. Affected: yes.
Comment: Not observed at significant frequency in large population cohorts (gnomAD); In silico analysis supports that this missense variant has a deleterious effect on protein structure/function; Has not been previously published as pathogenic or benign to our knowledge; This variant is associated with the following publications: (PMID: 21139634, 26094131)